The following is an entry in ClinVar:

ClinVar aggregate classification (germline): Pathogenic/Likely pathogenic. Review status: criteria provided, multiple submitters, no conflicts (2 of 4 stars). 5 submissions from 5 submitters: Pathogenic (3); Likely pathogenic (2). Last evaluated 2026-01-04.

Conditions:
Neuronal ceroid lipofuscinosis. Also called: Neuronal Ceroid Lipofuscinoses. Identifiers: Orphanet 216, Orphanet 79263, MedGen C0027877, MONDO:0016295. Disease mechanism: loss of function.
Neuronal ceroid lipofuscinosis 8 (CLN8). Also called: CLN8-Related Neuronal Ceroid-Lipofuscinosis. Identifiers: Orphanet 168491, Orphanet 228354, Orphanet 79264, MedGen C1838570, MONDO:0010830, OMIM 600143.

Allele frequency attached by ClinVar (database versions not stated): TOPMed below 0.00001; ExAC 0.00001; gnomAD 0.00001 and 0.00002; gnomAD exomes 0.00001 and 0.00002; ESP Exome Variant Server 0.00008; 1000 Genomes Project 30x 0.00031; 1000 Genomes Project 0.00040.

Submissions (5):

Labcorp Genetics (formerly Invitae), Labcorp
Classification: Pathogenic for Neuronal ceroid lipofuscinosis. Last evaluated: 2026-01-04. Review status: criteria provided, single submitter. Criteria: Invitae Variant Classification Sherloc (09022015). Collection method: clinical testing. Allele origin: germline.
Comment: This sequence change affects the initiator codon of the CLN8 mRNA. This change may impact translation initiation or efficiency. The next in-frame methionine is located at codon 28. This variant is not present in population databases (gnomAD no frequency). Disruption of the initiator codon has been observed in individual(s) with clinical features of neuronal ceroid lipofuscinosis type 8 (PMID: 30741402, 31069529). ClinVar contains an entry for this variant (Variation ID: 487522). This variant disrupts a region of the CLN8 protein in which other variant(s) (p.Arg24Gly) have been determined to be pathogenic (PMID: 10508524, 10861296, 15160397, 16828266). This suggests that this is a clinically significant region of the protein, and that variants that disrupt it are likely to be disease-causing. For these reasons, this variant has been classified as Pathogenic.

Myriad Genetics, Inc.
Classification: Likely pathogenic for Neuronal ceroid lipofuscinosis. Last evaluated: 2025-01-14. Review status: criteria provided, single submitter. Criteria: Myriad Autosomal Dominant, Autosomal Recessive and X-Linked Classification Criteria (2023). Collection method: clinical testing. Allele origin: unknown.
Comment: NM_018941.3(CLN8):c.1A>G(M1?) is an initiation codon variant classified as likely pathogenic in the context of CLN8-related neuronal ceroid lipofuscinosis. M1? has been observed in a case with relevant disease (PMID: 30741402). Relevant functional assessments of this variant are not available in the literature. M1? has been observed in referenced population frequency databases. In summary, NM_018941.3(CLN8):c.1A>G(M1?) is an initiation codon variant in a gene where loss of function is a known mechanism of disease, is predicted to disrupt protein function, and has been observed more frequently in cases with the relevant disease than in healthy populations. Please note: this variant was assessed in the context of healthy population screening.

GeneDx
Classification: Pathogenic. Last evaluated: 2024-11-02. Review status: criteria provided, single submitter. Criteria: GeneDx Variant Classification Process June 2021. Collection method: clinical testing. Allele origin: germline. Affected: yes.
Comment: Initiation codon variant in a gene for which loss-of-function is a known mechanism of disease; Not observed at significant frequency in large population cohorts (gnomAD); This variant is associated with the following publications: (PMID: 30741402)

Natera, Inc.
Classification: Likely pathogenic for Neuronal ceroid lipofuscinosis 8. Last evaluated: 2024-04-10. Review status: criteria provided, single submitter. Criteria: Natera Variant Classification Schema (03/2026). Collection method: clinical testing. Allele origin: germline.
Comment: The c.1A>G variant in CLN8 is predicted to result in start loss due to disruption of the initiator methionine. This variant may result in a truncated or dysfunctional protein product. This variant is rare in the general population with a frequency below the threshold expected for the associated phenotype(s). This variant has been observed in one or more individuals affected with the associated recessive disease, as either homozygous or compound heterozygous with a second variant (PMID: 25976102). Given the available evidence, this variant is classified as Likely Pathogenic.

Translational Research Program on Neuronal Ceroid Lipofuscinosis, Center for the Study of Inborn Errors of Metabolism
Classification: Pathogenic for Neuronal ceroid lipofuscinosis 8. Review status: criteria provided, single submitter. Criteria: Submitter's publication. Collection method: research. Allele origin: maternal. Inheritance: Autosomal recessive inheritance. Affected: yes. Observed: 1 variant allele, 1 compound heterozygote.
Comment: This mutation was detected in heterozygous state, combined with a c.792C>G mutation.

Literature cited by the submitters: PubMed 30741402 (cited by Labcorp Genetics (formerly Invitae), Labcorp and Myriad Genetics, Inc.); PubMed 31069529 (cited by Labcorp Genetics (formerly Invitae), Labcorp); PubMed 10508524 (cited by Labcorp Genetics (formerly Invitae), Labcorp); PubMed 10861296 (cited by Labcorp Genetics (formerly Invitae), Labcorp); PubMed 15160397 (cited by Labcorp Genetics (formerly Invitae), Labcorp); PubMed 16828266 (cited by Labcorp Genetics (formerly Invitae), Labcorp); PubMed 25976102 (cited by Natera, Inc.).

NM_018941.4(CLN8):c.1A>G (p.Met1Val)

Gene: CLN8 (CLN8 transmembrane ER and ERGIC protein; plus strand). Cytogenetic location: 8p23.3.
Variant type: single nucleotide variant.
Coding change: c.1A>G on transcript NM_018941.4 (MANE Select); coding-DNA position 1, A replaced by G.
Protein change: p.Met1Val; changes the start codon (methionine 1).
Molecular consequence: missense variant, initiator codon variant.
Genome position (GRCh38, 1-based): chr8:1,771,055, A>G. VCF-style: chr8-1771055-A-G. GRCh37 (hg19) VCF-style: chr8-1719221-A-G.
Other names: short protein forms M1V.
Identifiers: ClinVar variation 487522 (VCV000487522.15), dbSNP rs143730802, ClinGen allele CA4599166.